The following is an entry in ClinVar:

ClinVar aggregate classification (germline): Uncertain significance. Review status: criteria provided, multiple submitters, no conflicts (2 of 4 stars). 2 submissions from 2 submitters: Uncertain significance (2). Last evaluated 2025-09-21.

gnomAD v4.1: 12 of 1,388,578 alleles (0.00086%); highest among the groups gnomAD compares: East Asian, 0.011%; no homozygotes.

Submissions (2):

Ambry Genetics
Classification: Uncertain significance. Last evaluated: 2025-09-21. Review status: criteria provided, single submitter. Criteria: Ambry Variant Classification Scheme 2023. Collection method: clinical testing. Allele origin: germline.
Comment: The p.P20S variant (also known as c.58C>T), located in coding exon 1 of the ATRIP gene, results from a C to T substitution at nucleotide position 58. The proline at codon 20 is replaced by serine, an amino acid with similar properties. This amino acid position is conserved. In addition, this alteration is predicted to be tolerated by in silico analysis. Based on the available evidence, the clinical significance of this variant remains unclear.

Labcorp Genetics (formerly Invitae), Labcorp
Classification: Uncertain significance. Last evaluated: 2024-03-27. Review status: criteria provided, single submitter. Criteria: Invitae Variant Classification Sherloc (09022015). Collection method: clinical testing. Allele origin: germline.
Comment: This sequence change replaces proline, which is neutral and non-polar, with serine, which is neutral and polar, at codon 20 of the ATRIP protein (p.Pro20Ser). This variant is present in population databases (rs750978381, gnomAD 0.02%). This variant has not been reported in the literature in individuals affected with ATRIP-related conditions. Algorithms developed to predict the effect of missense changes on protein structure and function output the following: SIFT: "Not Available"; PolyPhen-2: "Probably Damaging"; Align-GVGD: "Not Available". The serine amino acid residue is found in multiple mammalian species, which suggests that this missense change does not adversely affect protein function. In summary, the available evidence is currently insufficient to determine the role of this variant in disease. Therefore, it has been classified as a Variant of Uncertain Significance.

NM_130384.3(ATRIP):c.58C>T (p.Pro20Ser)

Genes: ATRIP (ATR interacting protein; plus strand), ATRIP-TREX1 (ATRIP-TREX1 readthrough; plus strand), LOC129936703 (ATAC-STARR-seq lymphoblastoid silent region 14331; plus strand). Cytogenetic location: 3p21.31.
Variant type: single nucleotide variant.
Coding change: c.58C>T on transcript NM_130384.3 (MANE Select); coding-DNA position 58, C replaced by T.
Protein change: p.Pro20Ser; replaces proline 20 with serine.
Molecular consequence: missense variant. On other transcripts: non-coding transcript variant (1), intron variant (1).
Genome position (GRCh38, 1-based): chr3:48,446,903, C>T. VCF-style: chr3-48446903-C-T. GRCh37 (hg19) VCF-style: chr3-48488307-C-T.
Other names: c.58C>T, p.Pro20Ser (NM_032166.4); c.-218+104C>T (NM_001271022.2); c.58C>T (NM_130384.1); short protein forms P20S.
Identifiers: ClinVar variation 3672528 (VCV003672528.3).
Genomic context (GRCh38, chr3:48,446,903, plus strand): 5'-AGCATGGCGGGGACCTCCGCGCCAGGCAGCAAGAGGCGGAGCGAGCCCCCGGCGCCTCGC[C>T]CCGGCCCGCCGCCGGGCACCGGGCACCCCCCGAGCAAGCGGGCCCGGGGCTTCTCCGCAG-3'
Protein context (NP_569055.1, residues 10-30): KRRSEPPAPR[Pro20Ser]GPPPGTGHPP